The following is an entry in ClinVar:

ClinVar aggregate classification (germline): Pathogenic/Likely pathogenic. Review status: criteria provided, multiple submitters, no conflicts (2 of 4 stars). 10 submissions from 10 submitters: Pathogenic (8); Likely pathogenic (1). 1 of the submissions does not count toward it. Last evaluated 2026-08-25.

Conditions:
Rare genetic deafness. Identifiers: Orphanet 96210, MedGen C5680250.
Inborn genetic diseases. Identifiers: MedGen C0950123, MeSH D030342.
GJB2-related disorder. Also called: GJB2-related condition; GJB2-related disorders. Identifiers: MedGen CN382183, MONDO:1060236.
Ichthyosis, hystrix-like, with hearing loss. Also called: Hystrix-like ichthyosis with deafness. Identifiers: Orphanet 477, MedGen C1865234, MONDO:0011245.
Palmoplantar keratoderma-deafness syndrome. Also called: Keratoderma palmoplantar, with deafness; Palmoplantar keratoderma and sensorineural deafness; Hereditary palmoplantar keratoderma with deafness (subtype); Focal palmoplantar keratoderma with sensorineural deafness (subtype); Diffuse palmoplantar keratoderma with deafness (subtype). Identifiers: Orphanet 2202, MedGen C1835672, MONDO:0007852, OMIM 148350.
Knuckle pads, deafness AND leukonychia syndrome. Also called: Bart-Pumphrey syndrome. Identifiers: Orphanet 2698, MedGen C0266004, MONDO:0007866, OMIM 149200.
Mutilating keratoderma (VOWNKL). Also called: Keratoderma hereditarium mutilans. Identifiers: Orphanet 494, MedGen C0265964, MONDO:0007422, OMIM 124500.
Autosomal recessive nonsyndromic hearing loss 1A (DFNB1A). Also called: Connexin 26 deafness; Deafness nonsyndromic, Connexin 26 linked; GJB6-Related DFNB 1 Nonsyndromic Hearing Loss and Deafness; Deafness, autosomal recessive 1A; Nonsyndromic Hearing Loss and Deafness, DFNB1; GJB2-Related Autosomal Recessive Nonsyndromic Hearing Loss. Identifiers: Orphanet 90636, MedGen C2673759, MONDO:0009076, OMIM 220290.
Autosomal dominant keratitis-ichthyosis-hearing loss syndrome. Also called: Senter syndrome; KID SYNDROME, AUTOSOMAL DOMINANT; HID SYNDROME. Identifiers: Orphanet 477, MedGen C0265336, MONDO:0007850, OMIM 148210.
Autosomal dominant nonsyndromic hearing loss 3A. Identifiers: Orphanet 90635, MedGen C2675750, MONDO:0011103, OMIM 601544.

Allele frequency attached by ClinVar (database versions not stated): gnomAD exomes below 0.00001 and 0.00001; TOPMed 0.00001.

Submissions (10):

GeneDx
Classification: Pathogenic. Last evaluated: 2026-08-25. Review status: criteria provided, single submitter. Criteria: GeneDx Variant Classification Process June 2021. Collection method: clinical testing. Allele origin: germline.
Comment: Nonsense variant predicted to result in protein truncation, as the last 220 amino acids are lost, and other loss-of-function variants have been reported downstream in HGMD; This variant is associated with the following publications: (PMID: 12865758, 25085072, 36048236, 31370293)

PreventionGenetics, part of Exact Sciences
Classification: Pathogenic for GJB2-related condition. Last evaluated: 2026-07-17. Review status: criteria provided, single submitter. Criteria: ACMG Guidelines, 2015. Collection method: clinical testing. Allele origin: germline.
Comment: The GJB2 c.19C>T variant is predicted to result in premature protein termination (p.Gln7*). This variant has reported in homozygous and compound heterozygous state in multiple individuals with severe or profound hearing loss, and is the most common variant in Ecuador (Figueroa-Ildefonso et al. 2019. PubMed ID: 31370293; Paz-y-Miño et al. 2014. PubMed ID: 25085072). This variant is reported in 0.0058% of alleles in individuals of Latino descent in gnomAD. Nonsense variants in GJB2 are expected to be pathogenic. This variant is interpreted as pathogenic.

Labcorp Genetics (formerly Invitae), Labcorp
Classification: Pathogenic. Last evaluated: 2025-02-04. Review status: criteria provided, single submitter. Criteria: Invitae Variant Classification Sherloc (09022015). Collection method: clinical testing. Allele origin: germline.
Comment: This sequence change creates a premature translational stop signal (p.Gln7*) in the GJB2 gene. While this is not anticipated to result in nonsense mediated decay, it is expected to disrupt the last 220 amino acid(s) of the GJB2 protein. This variant is present in population databases (rs111033451, gnomAD 0.006%). This premature translational stop signal has been observed in individual(s) with GJB2-related conditions (PMID: 12865758, 25085072, 31370293). ClinVar contains an entry for this variant (Variation ID: 44728). This variant disrupts a region of the GJB2 protein in which other variant(s) (p.Cys202*) have been determined to be pathogenic (PMID: 23141775). This suggests that this is a clinically significant region of the protein, and that variants that disrupt it are likely to be disease-causing. For these reasons, this variant has been classified as Pathogenic.

Natera, Inc.
Classification: Pathogenic for Autosomal recessive deafness type 1A. Last evaluated: 2025-01-30. Review status: criteria provided, single submitter. Criteria: Natera Variant Classification Schema (03/2026). Collection method: clinical testing. Allele origin: germline.
Comment: The c.19C>T variant in GJB2 is a nonsense variant predicted to introduce a stop codon at amino acid 7. This variant is expected to result in nonsense mediated decay, truncation, or a dysfunctional protein product. This variant is rare in the general population with a frequency below the threshold expected for the associated phenotype(s). This variant has been observed in one or more individuals affected with the associated recessive disease, as either homozygous or compound heterozygous with a second variant (PMID: 31370293). Given the available evidence, this variant is classified as Pathogenic.

Fulgent Genetics
Classification: Pathogenic for Mutilating keratoderma; Autosomal dominant keratitis-ichthyosis-hearing loss syndrome; Palmoplantar keratoderma-deafness syndrome; Knuckle pads, deafness AND leukonychia syndrome; Autosomal recessive nonsyndromic hearing loss 1A; Autosomal dominant nonsyndromic hearing loss 3A. Last evaluated: 2024-06-12. Review status: criteria provided, single submitter. Criteria: ACMG Guidelines, 2015. Collection method: clinical testing. Allele origin: germline.

Victorian Clinical Genetics Services, Murdoch Childrens Research Institute
Classification: Pathogenic for Autosomal recessive nonsyndromic hearing loss 1A. Last evaluated: 2023-07-17. Review status: criteria provided, single submitter. Criteria: ACMG Guidelines, 2015. Collection method: clinical testing. Allele origin: germline. Inheritance: Autosomal recessive inheritance. Affected: yes.
Comment: Based on the classification scheme VCGS_Germline_v1.3.4, this variant is classified as Pathogenic. Following criteria are met: 0102 - Loss of function is a known mechanism of disease in this gene and is associated with both deafness and skin conditions (OMIM). Dominant negative is also a suggested mechanism (PMID: 28428247). (I) 0108 - This gene is associated with both recessive and dominant disease. The autosomal dominant diseases are commonly associated with pathogenic missense variants. The autosomal recessive disease is associated with bi-allelic loss-of-function variants and includes missense and protein truncating variants (NIH Genetics Home Reference, PMID: 12792423). (I) 0112 - The condition associated with this gene has incomplete penetrance (PMID:31160754). (I) 0115 - Variants in this gene are known to have variable expressivity. Severity can range from mild to profound with intrafamilial variability also commonly seen. Commonly, truncating variants are associated to a more severe hearing loss (PMID: 20301449). (I) 0204 - Variant is predicted to result in a truncated protein (premature termination codon is NOT located at least 54 nucleotides upstream of the final exon-exon junction) with at least 1/3 of the protein sequence affected. (SP) 0251 - This variant is heterozygous. (I) 0304 - Variant is present in gnomAD (v2) <0.01 (2 heterozygotes, 0 homozygotes). (SP) 0701 - Other protein truncating variants comparable to the one identified in this case have very strong previous evidence for pathogenicity. There are at least nine protein truncating variants downstream of our variant (DECIPHER). (SP) 0801 - This variant has strong previous evidence of pathogenicity in unrelated individuals. This variant has been classified as likely pathogenic or pathogenic by multiple clinical diagnostic laboratories (ClinVar) and as pathogenic in the Deafness Variation database. (SP) 1208 - Inheritance information for this variant is not currently available in this individual. (I) Legend: (SP) - Supporting pathogenic, (I) - Information, (SB) - Supporting benign

Ambry Genetics
Classification: Pathogenic for Inborn genetic diseases. Last evaluated: 2017-10-02. Review status: criteria provided, single submitter. Criteria: Ambry exome assertion method (8-5-2015). Collection method: clinical testing. Allele origin: germline. Affected: yes. Observed: 1 variant allele.

Women's Health and Genetics/Laboratory Corporation of America, LabCorp
Classification: Pathogenic for Autosomal recessive nonsyndromic hearing loss 1A. Last evaluated: 2016-02-11. Review status: criteria provided, single submitter. Criteria: LabCorp Variant Classification Summary - May 2015. Collection method: clinical testing. Allele origin: germline.
Comment: Variant summary: The c.19C>T variant results in a premature termination codon, predicted to cause a truncated or absent GJB2 protein, which is a commonly known mechanism for disease. Truncations downstream of this position have been classified as pathogenic by our laboratory (e.g.c.269dupT/p.Val91fsX11, c.334_335delAA/p.Lys112fsX2). One in-silico tool predicts damaging outcome for this variant. This variant has been reported predominantly in Ecuadorian population in patients with syndromic or non-syndromic hearing loss. This variant is not found in 121382 control chromosomes. In addition, multiple clinical laboratories/reputable databases classified this variant as pathogenic. Taken together, this variant was classified as pathogenic.

Laboratory for Molecular Medicine, Mass General Brigham Personalized Medicine
Classification: Likely pathogenic for Rare genetic deafness. Last evaluated: 2009-09-18. Review status: criteria provided, single submitter. Criteria: LMM Criteria. Collection method: clinical testing. Allele origin: germline. Observed: 1 variant allele.

Counsyl
Classification: Likely pathogenic for Deafness, autosomal recessive 1A. Last evaluated: 2015-01-21. Review status: no assertion criteria provided. Collection method: literature only. Allele origin: unknown. Inheritance: Autosomal recessive inheritance. Not counted in ClinVar's aggregate classification.

Literature cited by the submitters: PubMed 12865758 (cited by 5 submitters); PubMed 25085072 (cited by 4 submitters); PubMed 31370293 (cited by Labcorp Genetics (formerly Invitae), Labcorp and Natera, Inc.); PubMed 23141775 (cited by Labcorp Genetics (formerly Invitae), Labcorp); PubMed 12792423 (cited by Victorian Clinical Genetics Services, Murdoch Childrens Research Institute); PubMed 20301449 (cited by Victorian Clinical Genetics Services, Murdoch Childrens Research Institute); PubMed 28428247 (cited by Victorian Clinical Genetics Services, Murdoch Childrens Research Institute); PubMed 31160754 (cited by Victorian Clinical Genetics Services, Murdoch Childrens Research Institute).

NM_004004.6(GJB2):c.19C>T (p.Gln7Ter)

Gene: GJB2 (gap junction protein beta 2; minus strand). Cytogenetic location: 13q12.11.
Variant type: single nucleotide variant.
Coding change: c.19C>T on transcript NM_004004.6 (MANE Select); coding-DNA position 19, C replaced by T.
Protein change: p.Gln7Ter; replaces glutamine 7 with a stop codon.
Molecular consequence: nonsense.
Genome position (GRCh38, 1-based): chr13:20,189,563, G>A on the plus strand (C>T on the coding strand, the complement: GJB2 is on the minus strand). VCF-style: chr13-20189563-G-A. GRCh37 (hg19) VCF-style: chr13-20763702-G-A.
Other names: short protein forms Q7*.
Identifiers: ClinVar variation 44728 (VCV000044728.28), dbSNP rs111033451, ClinGen allele CA261641.